The following is an entry in ClinVar:

ClinVar aggregate classification (germline): Uncertain significance. Review status: criteria provided, multiple submitters, no conflicts (2 of 4 stars). 2 submissions from 2 submitters: Uncertain significance (2). Last evaluated 2024-10-28.

Allele frequency attached by ClinVar (database versions not stated): gnomAD exomes 0.00001.

Submissions (2):

Blueprint Genetics
Classification: Uncertain significance. Last evaluated: 2024-10-28. Review status: criteria provided, single submitter. Criteria: ACMG Guidelines, 2015. Collection method: clinical testing. Allele origin: germline.

Labcorp Genetics (formerly Invitae), Labcorp
Classification: Uncertain significance. Last evaluated: 2023-01-22. Review status: criteria provided, single submitter. Criteria: Invitae Variant Classification Sherloc (09022015). Collection method: clinical testing. Allele origin: germline.
Comment: In summary, the available evidence is currently insufficient to determine the role of this variant in disease. Therefore, it has been classified as a Variant of Uncertain Significance. Algorithms developed to predict the effect of missense changes on protein structure and function are either unavailable or do not agree on the potential impact of this missense change (SIFT: "Tolerated"; PolyPhen-2: "Probably Damaging"; Align-GVGD: "Class C0"). This variant has not been reported in the literature in individuals affected with POP1-related conditions. This variant is not present in population databases (gnomAD no frequency). This sequence change replaces histidine, which is basic and polar, with proline, which is neutral and non-polar, at codon 958 of the POP1 protein (p.His958Pro).

NM_001145860.2(POP1):c.2873A>C (p.His958Pro)

Gene: POP1 (POP1 ribonuclease P/MRP subunit; plus strand). Cytogenetic location: 8q22.2.
Variant type: single nucleotide variant.
Coding change: c.2873A>C on transcript NM_001145860.2 (MANE Select); coding-DNA position 2873, A replaced by C.
Protein change: p.His958Pro; replaces histidine 958 with proline.
Molecular consequence: missense variant.
Genome position (GRCh38, 1-based): chr8:98,158,069, A>C. VCF-style: chr8-98158069-A-C. GRCh37 (hg19) VCF-style: chr8-99170297-A-C.
Other names: c.2873A>C, p.His958Pro (NM_001145861.2, NM_015029.3); short protein forms H958P.
Identifiers: ClinVar variation 2964739 (VCV002964739.2), dbSNP rs2488104523, ClinGen allele CA371777565.
Genomic context (GRCh38, chr8:98,158,069, plus strand): 5'-CTGGGCAGGAAGCTCTGACTCTAGGGCTGTGGTCAGGCCCTCTGCCGCGTGTGACGTTGC[A>C]CTGCTCCAGAACTCTCCTAGGCTTTGTGACTCAGGGAGATTTTTCCATGGCTGTTGGCTG-3'
Protein context (NP_001139332.1, residues 948-968): WSGPLPRVTL[His958Pro]CSRTLLGFVT